The following is an entry in ClinVar:

ClinVar aggregate classification (germline): Likely benign. Review status: criteria provided, multiple submitters, no conflicts (2 of 4 stars). 2 submissions from 2 submitters: Likely benign (2). Last evaluated 2021-09-16.

Allele frequency attached by ClinVar (database versions not stated): gnomAD exomes 0.00060 and 0.00151; ExAC 0.00184; 1000 Genomes Project 0.00499; 1000 Genomes Project 30x 0.00562; gnomAD 0.00590 and 0.00645; ESP Exome Variant Server 0.00684; TOPMed 0.00702.
gnomAD v4.1: 1,809 of 1,612,272 alleles (0.11%); highest among the groups gnomAD compares: African/African-American, 2.2%; 31 homozygotes.

Submissions (2):

GeneDx
Classification: Likely benign. Last evaluated: 2021-09-16. Review status: criteria provided, single submitter. Criteria: GeneDx Variant Classification Process June 2021. Collection method: clinical testing. Allele origin: germline. Affected: yes.
Comment: See Variant Classification Assertion Criteria.

Breakthrough Genomics
Classification: Likely benign. Review status: criteria provided, single submitter. Criteria: ACMG Guidelines, 2015. Collection method: not provided. Allele origin: germline. Inheritance: Autosomal dominant inheritance. Affected: yes.

NM_002608.4(PDGFB):c.63+3077T>A

Gene: PDGFB (platelet derived growth factor subunit B; minus strand). Cytogenetic location: 22q13.1.
Variant type: single nucleotide variant.
Coding change: c.63+3077T>A on transcript NM_002608.4 (MANE Select); 3077 bases into the intron after coding-DNA position 63, T replaced by A.
Molecular consequence: intron variant.
Genome position (GRCh38, 1-based): chr22:39,240,824, A>T on the plus strand (T>A on the coding strand, the complement: PDGFB is on the minus strand). VCF-style: chr22-39240824-A-T. GRCh37 (hg19) VCF-style: chr22-39636829-A-T.
Other names: c.18+31T>A (NM_033016.3).
Identifiers: ClinVar variation 1683869 (VCV001683869.3), dbSNP rs143450333, ClinGen allele CA10240279.